The following is an entry in ClinVar:

NM_003285.3(TNR):c.2987C>T (p.Thr996Ile)

Gene: TNR (tenascin R; minus strand). Cytogenetic location: 1q25.1.
Variant type: single nucleotide variant.
Coding change: c.2987C>T on transcript NM_003285.3 (MANE Select); coding-DNA position 2987, C replaced by T.
Protein change: p.Thr996Ile; replaces threonine 996 with isoleucine.
Molecular consequence: missense variant.
Genome position (GRCh38, 1-based): chr1:175,356,450, G>A on the plus strand (C>T on the coding strand, the complement: TNR is on the minus strand). VCF-style: chr1-175356450-G-A. GRCh37 (hg19) VCF-style: chr1-175325586-G-A.
Other names: c.1988C>T, p.Thr663Ile (NM_001328635.2); short protein forms T663I, T996I.
Identifiers: ClinVar variation 2413005 (VCV002413005.5), dbSNP rs139871740, ClinGen allele CA1255462.

ClinVar aggregate classification (germline): Uncertain significance. Review status: criteria provided, multiple submitters, no conflicts (2 of 4 stars). 3 submissions from 3 submitters: Uncertain significance (2). 1 of the submissions does not count toward it. Last evaluated 2024-05-31.

Conditions:
TNR-related disorder. Also called: TNR-related condition.
Inborn genetic diseases. Identifiers: MedGen C0950123, MeSH D030342.

Allele frequency attached by ClinVar (database versions not stated): ExAC 0.00017; gnomAD 0.00019; TOPMed 0.00019; gnomAD exomes 0.00031; ESP Exome Variant Server 0.00038.
gnomAD v4.1: 466 of 1,613,778 alleles (0.029%); highest among the groups gnomAD compares: Non-Finnish European, 0.038%; no homozygotes.

Submissions (3):

Ambry Genetics
Classification: Uncertain significance for Inborn genetic diseases. Last evaluated: 2024-05-31. Review status: criteria provided, single submitter. Criteria: Ambry Variant Classification Scheme 2023. Collection method: clinical testing. Allele origin: germline.

GeneDx
Classification: Uncertain significance. Last evaluated: 2022-07-27. Review status: criteria provided, single submitter. Criteria: GeneDx Variant Classification Process June 2021. Collection method: clinical testing. Allele origin: germline. Affected: yes.
Comment: In silico analysis supports that this missense variant has a deleterious effect on protein structure/function; Has not been previously published as pathogenic or benign to our knowledge

PreventionGenetics, part of Exact Sciences
Classification: Uncertain significance for TNR-related condition. Last evaluated: 2024-06-18. Review status: no assertion criteria provided. Collection method: clinical testing. Allele origin: germline. Not counted in ClinVar's aggregate classification.
Comment: The TNR c.2987C>T variant is predicted to result in the amino acid substitution p.Thr996Ile. To our knowledge, this variant has not been reported in the literature. This variant is reported in 0.040% of alleles in individuals of European (Non-Finnish) descent in gnomAD. At this time, the clinical significance of this variant is uncertain due to the absence of conclusive functional and genetic evidence.